The following is an entry in ClinVar:

ClinVar aggregate classification (germline): Uncertain significance (1 of 4 stars; one submission).

Conditions:
Hereditary cancer-predisposing syndrome. Also called: Neoplastic Syndromes, Hereditary; Tumor predisposition; Hereditary neoplastic syndrome; Hereditary Cancer Syndrome. Identifiers: Orphanet 140162, MedGen C0027672, MeSH D009386, MONDO:0015356.

Submission:

Ambry Genetics
Classification: Uncertain significance for Hereditary cancer-predisposing syndrome. Last evaluated: 2026-08-03. Review status: criteria provided, single submitter. Criteria: Ambry Variant Classification Scheme 2023. Collection method: clinical testing. Allele origin: germline.
Comment: The p.T773P variant (also known as c.2317A>C), located in coding exon 14 of the RAD50 gene, results from an A to C substitution at nucleotide position 2317. The threonine at codon 773 is replaced by proline, an amino acid with highly similar properties. This amino acid position is conserved. In addition, the in silico prediction for this alteration is inconclusive. Based on the available evidence, the clinical significance of this variant remains unclear.

NM_005732.4(RAD50):c.2317A>C (p.Thr773Pro)

Gene: RAD50 (RAD50 double strand break repair protein; plus strand). Cytogenetic location: 5q31.1.
Variant type: single nucleotide variant.
Coding change: c.2317A>C on transcript NM_005732.4 (MANE Select); coding-DNA position 2317, A replaced by C.
Protein change: p.Thr773Pro; replaces threonine 773 with proline.
Molecular consequence: missense variant.
Genome position (GRCh38, 1-based): chr5:132,603,409, A>C. VCF-style: chr5-132603409-A-C. GRCh37 (hg19) VCF-style: chr5-131939101-A-C.
Other names: short protein forms T773P.
Identifiers: ClinVar variation 5027727 (VCV005027727.1).